The following is an entry in ClinVar:

ClinVar aggregate classification (germline): Uncertain significance (1 of 4 stars; one submission).

Conditions:
IQCE-related disorder. Also called: IQCE-related condition.

gnomAD v4.1: 133 of 1,613,642 alleles (0.0082%); highest among the groups gnomAD compares: African/African-American, 0.17%; no homozygotes.

Submission:

PreventionGenetics, part of Exact Sciences
Classification: Uncertain significance for IQCE-related condition. Last evaluated: 2025-07-18. Review status: criteria provided, single submitter. Criteria: ACMG Guidelines, 2015. Collection method: clinical testing. Allele origin: germline.
Comment: The IQCE c.1927C>A variant is predicted to result in the amino acid substitution p.His643Asn. To our knowledge, this variant has not been reported in the literature. This variant is reported in 0.15% of alleles in individuals of African descent in gnomAD, which may be too common to be a primary cause of disease. Although we suspect that this variant may be benign, at this time, the clinical significance of this variant is uncertain due to the absence of conclusive functional and genetic evidence.

NM_152558.5(IQCE):c.1927C>A (p.His643Asn)

Gene: IQCE (IQ motif containing E; plus strand). Cytogenetic location: 7p22.3.
Variant type: single nucleotide variant.
Coding change: c.1927C>A on transcript NM_152558.5 (MANE Select); coding-DNA position 1927, C replaced by A.
Protein change: p.His643Asn; replaces histidine 643 with asparagine.
Molecular consequence: missense variant.
Genome position (GRCh38, 1-based): chr7:2,607,185, C>A. VCF-style: chr7-2607185-C-A. GRCh37 (hg19) VCF-style: chr7-2646819-C-A.
Other names: c.1927C>A, p.His643Asn (NM_001287499.2); c.1879C>A, p.His627Asn (NM_001287500.2, NM_001410865.1); c.1732C>A, p.His578Asn (NM_001287501.2, NM_001287502.2); short protein forms H578N, H627N, H643N.
Identifiers: ClinVar variation 4987754 (VCV004987754.1).